The following is an entry in ClinVar:

ClinVar aggregate classification (germline): Uncertain significance (1 of 4 stars; one submission).

Conditions:
Syndromic multisystem autoimmune disease due to ITCH deficiency. Also called: AUTOIMMUNE DISEASE, MULTISYSTEM, WITH FACIAL DYSMORPHISM. Identifiers: Orphanet 228426, MedGen C3150649, MONDO:0013245, OMIM 613385.

Allele frequency attached by ClinVar (database versions not stated): TOPMed 0.00003; gnomAD 0.00004; gnomAD exomes 0.00004 and 0.00007; ExAC 0.00009.
gnomAD v4.1: 72 of 1,613,546 alleles (0.0045%); highest among the groups gnomAD compares: Non-Finnish European, 0.0053%; no homozygotes.

Submission:

Labcorp Genetics (formerly Invitae), Labcorp
Classification: Uncertain significance for Syndromic multisystem autoimmune disease due to ITCH deficiency. Last evaluated: 2021-03-27. Review status: criteria provided, single submitter. Criteria: Invitae Variant Classification Sherloc (09022015). Collection method: clinical testing. Allele origin: germline.
Comment: In summary, the available evidence is currently insufficient to determine the role of this variant in disease. Therefore, it has been classified as a Variant of Uncertain Significance. Algorithms developed to predict the effect of missense changes on protein structure and function are either unavailable or do not agree on the potential impact of this missense change (SIFT: "Not Available"; PolyPhen-2: "Benign"; Align-GVGD: "Not Available"). This variant has not been reported in the literature in individuals with ITCH-related conditions. This variant is present in population databases (rs751456152, ExAC 0.02%). This sequence change replaces asparagine with serine at codon 151 of the ITCH protein (p.Asn151Ser). The asparagine residue is moderately conserved and there is a small physicochemical difference between asparagine and serine.

NM_031483.7(ITCH):c.452A>G (p.Asn151Ser)

Gene: ITCH (itchy E3 ubiquitin protein ligase; plus strand). Cytogenetic location: 20q11.22.
Variant type: single nucleotide variant.
Coding change: c.452A>G on transcript NM_031483.7 (MANE Select); coding-DNA position 452, A replaced by G.
Protein change: p.Asn151Ser; replaces asparagine 151 with serine.
Molecular consequence: missense variant.
Genome position (GRCh38, 1-based): chr20:34,413,856, A>G. VCF-style: chr20-34413856-A-G. GRCh37 (hg19) VCF-style: chr20-33001662-A-G.
Other names: c.452A>G, p.Asn151Ser (NM_001257137.3, NM_001324197.2, NM_001324198.2); c.122A>G, p.Asn41Ser (NM_001257138.3); short protein forms N41S, N151S.
Identifiers: ClinVar variation 1499089 (VCV001499089.4), dbSNP rs751456152, ClinGen allele CA9821306.